The following is an entry in ClinVar:

ClinVar aggregate classification (germline): Pathogenic (1 of 4 stars; one submission).

Conditions:
Nemaline myopathy 2 (NEM2). Also called: Nemaline myopathy 2, autosomal recessive. Identifiers: MedGen C1850569, MONDO:0009725, OMIM 256030.

Submission:

Labcorp Genetics (formerly Invitae), Labcorp
Classification: Pathogenic for Nemaline myopathy 2. Last evaluated: 2022-08-09. Review status: criteria provided, single submitter. Criteria: Invitae Variant Classification Sherloc (09022015). Collection method: clinical testing. Allele origin: germline.
Comment: For these reasons, this variant has been classified as Pathogenic. This variant has not been reported in the literature in individuals affected with NEB-related conditions. This variant is not present in population databases (gnomAD no frequency). This sequence change creates a premature translational stop signal (p.Trp2910*) in the NEB gene. It is expected to result in an absent or disrupted protein product. Loss-of-function variants in NEB are known to be pathogenic (PMID: 25205138).

Literature cited by the submitters: PubMed 25205138.

NM_001164508.2(NEB):c.8729G>A (p.Trp2910Ter)

Gene: NEB (nebulin; minus strand). Cytogenetic location: 2q23.3.
Variant type: single nucleotide variant.
Coding change: c.8729G>A on transcript NM_001164508.2 (MANE Select); coding-DNA position 8729, G replaced by A.
Protein change: p.Trp2910Ter; replaces tryptophan 2910 with a stop codon.
Molecular consequence: nonsense.
Genome position (GRCh38, 1-based): chr2:151,640,017, C>T on the plus strand (G>A on the coding strand, the complement: NEB is on the minus strand). VCF-style: chr2-151640017-C-T. GRCh37 (hg19) VCF-style: chr2-152496531-C-T.
Other names: c.8729G>A, p.Trp2910Ter (NM_001164507.2, NM_001271208.2, NM_004543.5); short protein forms W2910*.
Identifiers: ClinVar variation 2023204 (VCV002023204.4), dbSNP rs2098827484, ClinGen allele CA348809579.